The following is an entry in ClinVar:

ClinVar aggregate classification (germline): Pathogenic/Likely pathogenic. Review status: criteria provided, multiple submitters, no conflicts (2 of 4 stars). 3 submissions from 3 submitters: Pathogenic (2); Likely pathogenic (1). Last evaluated 2022-04-03.

Conditions:
Glycine encephalopathy. Also called: Nonketotic hyperglycinemia; Non-ketotic hyperglycinemia. Identifiers: Orphanet 407, MedGen C0751748, MONDO:0011612, HP:0008288.

Submissions (3):

Labcorp Genetics (formerly Invitae), Labcorp
Classification: Pathogenic for Glycine encephalopathy. Last evaluated: 2022-04-03. Review status: criteria provided, single submitter. Criteria: Invitae Variant Classification Sherloc (09022015). Collection method: clinical testing. Allele origin: germline.
Comment: For these reasons, this variant has been classified as Pathogenic. Algorithms developed to predict the effect of sequence changes on RNA splicing suggest that this variant may disrupt the consensus splice site. ClinVar contains an entry for this variant (Variation ID: 449697). This premature translational stop signal has been observed in individual(s) with glycine encephalopathy (PMID: 26179960). This variant is not present in population databases (gnomAD no frequency). This sequence change creates a premature translational stop signal (p.Ser6Valfs*90) in the AMT gene. It is expected to result in an absent or disrupted protein product. Loss-of-function variants in AMT are known to be pathogenic (PMID: 16450403).

GeneDx
Classification: Pathogenic. Last evaluated: 2017-09-28. Review status: criteria provided, single submitter. Criteria: GeneDx Variant Classification (06012015). Collection method: clinical testing. Allele origin: germline. Affected: yes.
Comment: The c.16delA variant in the AMT gene has been reported previously in association with glycine encephalopathy, in an affected individual who was homozygous for the c.16delA variant (Swanson et al., 2015). The c.16delA variant causes a frameshift starting with codon Serine 6, changes this amino acid to a Valine residue, and creates a premature Stop codon at position 90 of the new reading frame, denoted p.Ser6ValfsX90. This variant is predicted to cause loss of normal protein function either through protein truncation or nonsense-mediated mRNA decay. The c.16delA variant is not observed in large population cohorts (Lek et al., 2016). We interpret c.16delA as a pathogenic variant.

Rady Children's Institute for Genomic Medicine, Rady Children's Hospital San Diego
Classification: Likely pathogenic for GLYCINE ENCEPHALOPATHY. Review status: criteria provided, single submitter. Criteria: ACMG Guidelines, 2015. Collection method: clinical testing. Allele origin: germline. Affected: yes.
Comment: This frameshifting variant in exon 1 of 9 introduces a premature stop codon and is therefore predicted to result in loss of normal protein function through either protein truncation or nonsense-mediated mRNA decay (NMD). This variant has been previously reported as a homozygous change in a patient with nonketotic hyperglycinemia (PMID: 26179960). Loss-of-function variation in AMT is an established mechanism of disease (PMID: 20301531). The c.16del (p.Ser6ValfsTer90) variant is absent from the gnomAD population database and thus is presumed to be rare. Based on the available evidence, the c.16del (p.Ser6ValfsTer90) variant is classified as Likely Pathogenic.

Literature cited by the submitters: PubMed 26179960 (cited by Labcorp Genetics (formerly Invitae), Labcorp); PubMed 16450403 (cited by Labcorp Genetics (formerly Invitae), Labcorp).

NM_000481.4(AMT):c.16del (p.Ser6fs)

Genes: AMT (aminomethyltransferase; minus strand), NICN1 (nicolin 1, tubulin polyglutamylase complex subunit; minus strand). Cytogenetic location: 3p21.31.
Variant type: Deletion.
Coding change: c.16del on transcript NM_000481.4 (MANE Select); coding-DNA position 16, one base deleted (A; older notation c.16delA).
Protein change: p.Ser6fs; shifts the reading frame from serine 6.
Molecular consequence: frameshift variant. On other transcripts: non-coding transcript variant (1), 3 prime UTR variant (1).
Genome position (GRCh38, 1-based): chr3:49,422,435, T deleted on the plus strand (A on the coding strand, the reverse complement: AMT is on the minus strand); the first of 2 consecutive T bases (chr3:49,422,435-49,422,436); deleting either gives the same sequence. VCF-style (leftmost placement, unchanged base first): chr3-49422434-CT-C. GRCh37 (hg19) VCF-style: chr3-49459867-CT-C.
Other names: c.16delA (NM_000481.3); c.15delA, p.Ser6Valfs (NM_000481.3); c.16del, p.Ser6fs (NM_001164710.2, NM_001164711.2, NM_001164712.2); c.*2398del (NM_032316.3); short protein forms S6fs.
Identifiers: ClinVar variation 449697 (VCV000449697.9), dbSNP rs1553638907, ClinGen allele CA658655827.
Genomic context (GRCh38, chr3:49,422,434, plus strand): 5'-AGTGGACGACACAAGGCCGGGGGGAATGCCTGCAGGCGAAAGCCCAGACGGGCCACCACA[CT>C]TACAGCCCTCTGCATCGTCGCCTGCAACGAGTGCAGACGGCGCACAGAGGCCACCACACT-3'